The following is an entry in ClinVar:

ClinVar aggregate classification (germline): Uncertain significance (1 of 4 stars; one submission).

Allele frequency attached by ClinVar (database versions not stated): ESP Exome Variant Server 0.00008; gnomAD 0.00009; gnomAD exomes 0.00009; 1000 Genomes Project 30x 0.00016; 1000 Genomes Project 0.00020; TOPMed 0.00031.
gnomAD v4.1: 146 of 1,614,242 alleles (0.009%); highest among the groups gnomAD compares: Admixed American, 0.038%; no homozygotes.

Submission:

Labcorp Genetics (formerly Invitae), Labcorp
Classification: Uncertain significance. Last evaluated: 2024-05-15. Review status: criteria provided, single submitter. Criteria: Invitae Variant Classification Sherloc (09022015). Collection method: clinical testing. Allele origin: germline.
Comment: This sequence change replaces arginine, which is basic and polar, with histidine, which is basic and polar, at codon 319 of the WARS2 protein (p.Arg319His). This variant is present in population databases (rs376728283, gnomAD 0.03%). This variant has not been reported in the literature in individuals affected with WARS2-related conditions. ClinVar contains an entry for this variant (Variation ID: 2075818). Advanced modeling of protein sequence and biophysical properties (such as structural, functional, and spatial information, amino acid conservation, physicochemical variation, residue mobility, and thermodynamic stability) performed at Invitae indicates that this missense variant is not expected to disrupt WARS2 protein function with a negative predictive value of 80%. In summary, the available evidence is currently insufficient to determine the role of this variant in disease. Therefore, it has been classified as a Variant of Uncertain Significance.

NM_015836.4(WARS2):c.956G>A (p.Arg319His)

Gene: WARS2 (tryptophanyl tRNA synthetase 2, mitochondrial; minus strand). Cytogenetic location: 1p12.
Variant type: single nucleotide variant.
Coding change: c.956G>A on transcript NM_015836.4 (MANE Select); coding-DNA position 956, G replaced by A.
Protein change: p.Arg319His; replaces arginine 319 with histidine.
Molecular consequence: missense variant. On other transcripts: 3 prime UTR variant (2).
Genome position (GRCh38, 1-based): chr1:119,033,038, C>T on the plus strand (G>A on the coding strand, the complement: WARS2 is on the minus strand). VCF-style: chr1-119033038-C-T. GRCh37 (hg19) VCF-style: chr1-119575661-C-T.
Other names: c.887G>A, p.Arg296His (NM_001378226.1, NM_001378227.1); c.785G>A, p.Arg262His (NM_001378228.1); c.698G>A, p.Arg233His (NM_001378229.1); c.674G>A, p.Arg225His (NM_001378230.1); c.*291G>A (NM_001378231.1); c.*322G>A (NM_201263.2); short protein forms R225H, R233H, R319H, R296H, R262H.
Identifiers: ClinVar variation 2075818 (VCV002075818.3), dbSNP rs376728283, ClinGen allele CA1035171.